The following is an entry in ClinVar:

ClinVar aggregate classification (germline): Likely pathogenic (1 of 4 stars; one submission).

Conditions:
Ataxia-telangiectasia syndrome (AT). Also called: LOUIS-BAR SYNDROME; Ataxia-telangiectasia, complementation group D; AT, COMPLEMENTATION GROUP C; Cerebello-oculocutaneous telangiectasia; Immunodeficiency with ataxia telangiectasia; ATAXIA-TELANGIECTASIA, COMPLEMENTATION GROUP A. Identifiers: Orphanet 100, MedGen C0004135, MONDO:0008840, OMIM 208900.

Allele frequency attached by ClinVar (database versions not stated): gnomAD exomes below 0.00001.
gnomAD v4.1: 1 of 1,609,948 alleles (0.000062%); highest among the groups gnomAD compares: Non-Finnish European, 0.000085%; no homozygotes.

Submission:

Labcorp Genetics (formerly Invitae), Labcorp
Classification: Likely pathogenic for Ataxia-telangiectasia syndrome. Last evaluated: 2020-06-29. Review status: criteria provided, single submitter. Criteria: Invitae Variant Classification Sherloc (09022015). Collection method: clinical testing. Allele origin: germline.
Comment: This sequence change affects an acceptor splice site in intron 35 of the ATM gene. It is expected to disrupt RNA splicing and likely results in an absent or disrupted protein product. This variant is not present in population databases (ExAC no frequency). This variant has not been reported in the literature in individuals with ATM-related conditions. Algorithms developed to predict the effect of sequence changes on RNA splicing suggest that this variant may disrupt the consensus splice site, but this prediction has not been confirmed by published transcriptional studies. Donor and acceptor splice site variants typically lead to a loss of protein function (PMID: 16199547), and loss-of-function variants in ATM are known to be pathogenic (PMID: 23807571, 25614872). In summary, the currently available evidence indicates that the variant is pathogenic, but additional data are needed to prove that conclusively. Therefore, this variant has been classified as Likely Pathogenic.

Literature cited by the submitters: PubMed 16199547; PubMed 23807571; PubMed 25614872.

NM_000051.4(ATM):c.5320-1G>C

Gene: ATM (ATM serine/threonine kinase; plus strand). Cytogenetic location: 11q22.3.
Variant type: single nucleotide variant.
Coding change: c.5320-1G>C on transcript NM_000051.4 (MANE Select); the canonical splice acceptor site of the intron before coding-DNA position 5320, G replaced by C.
Molecular consequence: splice acceptor variant.
Genome position (GRCh38, 1-based): chr11:108,302,852, G>C. VCF-style: chr11-108302852-G-C. GRCh37 (hg19) VCF-style: chr11-108173579-G-C.
Other names: c.5320-1G>C (NM_001351834.2).
Identifiers: ClinVar variation 1065966 (VCV001065966.7), dbSNP rs2135926774, ClinGen allele CA382542988.
Genomic context (GRCh38, chr11:108,302,852, plus strand): 5'-TAGGAAAGGTACAATGATTTCCACTTCTCTTATTTACATTTTCTAATCCCTTTCTTTCTA[G>C]TTTTTAGAAGTACCCAGATTTGACAAAGAAAACCCTTTTGAAGGCCTGGATGATATAAAT-3'